The following is an entry in ClinVar:

NM_000169.3(GLA):c.868A>C (p.Met290Leu)

Genes: GLA (galactosidase alpha; minus strand), RPL36A-HNRNPH2 (RPL36A-HNRNPH2 readthrough; plus strand). Cytogenetic location: Xq22.1.
Variant type: single nucleotide variant.
Coding change: c.868A>C on transcript NM_000169.3 (MANE Select); coding-DNA position 868, A replaced by C.
Protein change: p.Met290Leu; replaces methionine 290 with leucine.
Molecular consequence: missense variant. On other transcripts: non-coding transcript variant (3), intron variant (2).
Genome position (GRCh38, 1-based): chrX:101,398,501, T>G on the plus strand (A>C on the coding strand, the complement: GLA is on the minus strand). VCF-style: chrX-101398501-T-G. GRCh37 (hg19) VCF-style: chrX-100653489-T-G.
Other names: c.868A>C (NM_000169.2); c.300+3044T>G (NM_001199973.2); c.177+6679T>G (NM_001199974.2); c.991A>C, p.Met331Leu (NM_001406747.1); c.868A>C, p.Met290Leu (NM_001406748.1); short protein forms M290L, M331L.
Identifiers: ClinVar variation 222434 (VCV000222434.40), dbSNP rs375538532, ClinGen allele CA032305.

ClinVar aggregate classification (germline): Conflicting classifications of pathogenicity. Review status: criteria provided, conflicting classifications (1 of 4 stars). 14 submissions from 14 submitters: Pathogenic (1); Likely pathogenic (10); Uncertain significance (3). Last evaluated 2026-09-08.

Conditions:
GLA-related disorder. Also called: GLA-related condition.
Cardiovascular phenotype. Identifiers: MedGen CN230736.
Fabry disease. Also called: Fabry's disease; Angiokeratoma corporis diffusum; ALPHA-GALACTOSIDASE A DEFICIENCY; ANDERSON-FABRY DISEASE; CERAMIDE TRIHEXOSIDASE DEFICIENCY; GLA DEFICIENCY. Identifiers: Orphanet 324, MedGen C0002986, MONDO:0010526, OMIM 301500, HP:0001071. Disease mechanism: loss of function, Fabry disease is due to inactivating mutations in the X-linked GLA gene resulting in deficiency of the enzyme Alpha Galactosidase-A..

Allele frequency attached by ClinVar (database versions not stated): gnomAD exomes below 0.00001 and 0.00001; ExAC 0.00001; gnomAD 0.00002; TOPMed 0.00003; ESP Exome Variant Server 0.00009.
gnomAD v4.1: 3 of 1,206,427 alleles (0.00025%); highest among the groups gnomAD compares: Non-Finnish European, 0.00034%; no homozygotes.

Submissions 1 to 7 of 14:

Genomenon, Inc
Classification: Likely pathogenic for Fabry disease. Last evaluated: 2026-09-08. Review status: criteria provided, single submitter. Criteria: Genomenon Sequence Variant Interpretation Standards - Updated. Collection method: curation. Allele origin: germline. Affected: yes.
Comment: GLA p.Met290Leu (c.868A>C) is a missense variant that changes the amino acid at codon 290 from Methionine to Leucine. This variant has been observed in at least one proband with clinical features consistent with Fabry disease (PMID:23210910;21517827;28069318). The variant was found to segregate with disease in at least one affected family (PMID:23332617). Functional or patient cell studies have been reported (PMID:34199132;21517827;27657681). It is absent or not present at a significant frequency in gnomAD. In silico models predict that this variant is possibly or probably damaging. In conclusion, we classify GLA p.Met290Leu (c.868A>C) as a likely pathogenic variant.

PreventionGenetics, part of Exact Sciences
Classification: Uncertain significance for GLA-related condition. Last evaluated: 2026-08-06. Review status: criteria provided, single submitter. Criteria: ACMG Guidelines, 2015. Collection method: clinical testing. Allele origin: germline.
Comment: The GLA c.868A>C variant is predicted to result in the amino acid substitution p.Met290Leu. The variant has been reported in individuals with Fabry disease (FD) (Zampetti et al. 2013. PubMed ID: 23210910; Graziani et al. 2017. PubMed ID: 28069318), including some individuals noted as having late onset FD (Ferri et al. 2012. PubMed ID: 21517827; Duro et al 2018. PubMed ID: 30477121). Segregation of this variant with disease is inconclusive as some females with this mutation do not have confirmed FD phenotypes (Zampetti et al. 2013. PubMed ID: 23210910). In vitro functional studies are inconclusive as three studies show remaining enzymatic activity around 60% of wild type (Ferri et al. 2012. PubMed ID: 21517827; Lenders et al. 2020. PubMed ID: 32198894; Table S1, Benjamin et al. 2017. PubMed ID: 27657681) which does not support pathogenicity of this variant (Figure 1, Schiffmann et al. 2016. PubMed ID: 27195818). However an alternate nucleotide change at the same genomic position (c.868A>T) leading to the same protein change p.Met290Leu has been reported to reduce enzymatic activity to 18.5% of the wild type (Table S1, Lukas et al. 2013. PubMed ID: 23935525). Alternate protein changes affecting the same amino acid (p.Met290Ile, p.Met290Val), have been reported to impact protein function and were noted in individuals with biochemically confirmed FD (see for example, Nowak et al. 2017. PubMed ID: 28728877; Shabbeer et al. 2006. PubMed ID: 16595074; Pan et al. 2016. PubMed ID: 27560961). This variant is reported in 0.0024% of alleles in individuals of European (non-Finnish) descent in gnomAD. Although we suspect that this variant may be pathogenic, at this time, the clinical significance of the c.868A>C (p.Met290Leu) variant is uncertain due to the absence of conclusive functional and genetic evidence.

GeneDx
Classification: Likely pathogenic. Last evaluated: 2026-07-24. Review status: criteria provided, single submitter. Criteria: GeneDx Variant Classification Process June 2021. Collection method: clinical testing. Allele origin: germline.
Comment: Not observed at significant frequency in large population cohorts (gnomAD); In silico analysis suggests that this missense variant does not alter protein structure/function; This variant is associated with the following publications: (PMID: 21517827, 25382311, 28069318, 27657681, 23935525, 37599028, 37441486, 40276559, 40585426, 22004918, 41966574, 23210910)

Labcorp Genetics (formerly Invitae), Labcorp
Classification: Pathogenic for Fabry disease. Last evaluated: 2025-12-19. Review status: criteria provided, single submitter. Criteria: Invitae Variant Classification Sherloc (09022015). Collection method: clinical testing. Allele origin: germline.
Comment: This sequence change replaces methionine, which is neutral and non-polar, with leucine, which is neutral and non-polar, at codon 290 of the GLA protein (p.Met290Leu). This variant is present in population databases (rs375538532, gnomAD 0.002%). This missense change has been observed in individual(s) with Fabry disease (PMID: 21517827). ClinVar contains an entry for this variant (Variation ID: 222434). Invitae Evidence Modeling of protein sequence and biophysical properties (such as structural, functional, and spatial information, amino acid conservation, physicochemical variation, residue mobility, and thermodynamic stability) indicates that this missense variant is not expected to disrupt GLA protein function with a negative predictive value of 80%. Experimental studies have shown that this missense change affects GLA function (PMID: 21517827, 23935525). This variant disrupts the p.Met290 amino acid residue in GLA. Other variant(s) that disrupt this residue have been determined to be pathogenic (PMID: 23935525, 27773586, 28728877, 29307789). This suggests that this residue is clinically significant, and that variants that disrupt this residue are likely to be disease-causing. For these reasons, this variant has been classified as Pathogenic.

Color Diagnostics, LLC DBA Color Health
Classification: Likely pathogenic for Fabry disease. Last evaluated: 2025-08-07. Review status: criteria provided, single submitter. Criteria: ACMG Guidelines, 2015. Collection method: clinical testing. Allele origin: germline.
Comment: This missense variant replaces methionine with leucine at codon 290 of the GLA protein. Computational prediction suggests that this variant may have a deleterious impact on protein structure and function. Functional studies have shown that the variant causes a significant decrease in alpha-galactosidase A activity (PMID: 21517827, 32198894). This variant has been reported in individuals affected with Fabry disease (PMID: 21517827, 23210910, 23332617, 28069318, 30477121). Different variants affecting the same codon, p.Met290Ile and p.Met290Ile, are considered to be disease-causing (Clinvar variation ID: 222435 and 222436), indicating that methionine at this position is important for GLA protein function. This variant has been identified in 2/183454 chromosomes in the general population by the Genome Aggregation Database (gnomAD). Based on the available evidence, this variant is classified as Likely Pathogenic.

Ambry Genetics
Classification: Likely pathogenic for Cardiovascular phenotype. Last evaluated: 2025-07-14. Review status: criteria provided, single submitter. Criteria: Ambry Variant Classification Scheme 2023. Collection method: clinical testing. Allele origin: germline.
Comment: The p.M290L variant (also known as c.868A>C), located in coding exon 6 of the GLA gene, results from an A to C substitution at nucleotide position 868. The methionine at codon 290 is replaced by leucine, an amino acid with highly similar properties. This alteration has been detected in individuals with features consistent with Fabry disease (Ferri L et al. Clin. Genet., 2012 Mar;81:224-33; Zampetti A et al. Clin. Genet., 2013 Sep;84:281-5; Graziani F et al. J Am Soc Echocardiogr, 2017 Mar;30:282-291; Burlina AB et al. Int J Neonatal Screen. 2019 Jun;5(2):24; Gragnaniello V et al. Biomolecules. 2021 Jun;11(7)). In in vitro functional studies, this variant was shown to result in reduced enzyme activity (Ferri L eta l. Clin. Genet. 2012 Mar;81(3):224-33; Lukas J et al. PLoS Genet. 2013 Aug;9(8):e1003632). This amino acid position is highly conserved in available vertebrate species. In addition, this alteration is predicted to be deleterious by in silico analysis. Based on data from gnomAD, the C allele has an overall frequency of 0.0011% (2/183454) total alleles studied, with no hemizygote(s) observed. The highest observed frequency was 0.0024% (2/81914) of European (non-Finnish) alleles. Based on the majority of available evidence to date, this variant is likely to be pathogenic.

Natera, Inc.
Classification: Likely pathogenic for Fabry disease. Last evaluated: 2024-07-26. Review status: criteria provided, single submitter. Criteria: Natera Variant Classification Schema (03/2026). Collection method: clinical testing. Allele origin: germline.
Comment: The c.868A>C variant in GLA is a missense variant predicted to cause substitution of methionine to leucine at amino acid 290. This variant is rare in the general population with a frequency below the threshold expected for the associated phenotype(s). This variant has been observed in affected individual(s) with monoallelic occurrence (heterozygous/hemizygous) (PMID: 21517827, 23210910). A different variant at the same position has been determined to be Pathogenic or Likely Pathogenic. Computational prediction algorithms indicate this variant is likely to affect gene or protein function. Given the available evidence, this variant is classified as Likely Pathogenic.